The following is an entry in ClinVar:

NM_080632.3(UPF3B):c.624+4A>C

Gene: UPF3B (UPF3B regulator of nonsense mediated mRNA decay; minus strand). Cytogenetic location: Xq24.
Variant type: single nucleotide variant.
Coding change: c.624+4A>C on transcript NM_080632.3 (MANE Select); 4 bases into the intron after coding-DNA position 624, A replaced by C.
Molecular consequence: intron variant.
Genome position (GRCh38, 1-based): chrX:119,841,731, T>G on the plus strand (A>C on the coding strand, the complement: UPF3B is on the minus strand). VCF-style: chrX-119841731-T-G. GRCh37 (hg19) VCF-style: chrX-118975694-T-G.
Other names: c.624+4A>C (NM_023010.4).
Identifiers: ClinVar variation 3645573 (VCV003645573.2).

ClinVar aggregate classification (germline): Uncertain significance (1 of 4 stars; one submission).

Conditions:
Intellectual developmental disorder, X-linked, syndromic 14. Also called: Syndromic X-linked intellectual disability 14. Identifiers: Orphanet 776, MedGen C1970822, MONDO:0010398, OMIM 300676.

gnomAD v4.1: 1 of 1,205,915 alleles (0.000083%); highest among the groups gnomAD compares: Non-Finnish European, 0.00011%; no homozygotes.

Submission:

Labcorp Genetics (formerly Invitae), Labcorp
Classification: Uncertain significance for Intellectual developmental disorder, X-linked, syndromic 14. Last evaluated: 2024-03-12. Review status: criteria provided, single submitter. Criteria: Invitae Variant Classification Sherloc (09022015). Collection method: clinical testing. Allele origin: germline.
Comment: This sequence change falls in intron 6 of the UPF3B gene. It does not directly change the encoded amino acid sequence of the UPF3B protein. It affects a nucleotide within the consensus splice site. This variant is not present in population databases (gnomAD no frequency). This variant has not been reported in the literature in individuals affected with UPF3B-related conditions. Variants that disrupt the consensus splice site are a relatively common cause of aberrant splicing (PMID: 17576681, 9536098). Algorithms developed to predict the effect of sequence changes on RNA splicing suggest that this variant may disrupt the consensus splice site. In summary, the available evidence is currently insufficient to determine the role of this variant in disease. Therefore, it has been classified as a Variant of Uncertain Significance.

Literature cited by the submitters: PubMed 17576681; PubMed 9536098.